The following is an entry in ClinVar:

NM_014855.3(AP5Z1):c.67A>T (p.Lys23Ter)

Gene: AP5Z1 (adaptor related protein complex 5 subunit zeta 1; plus strand). Cytogenetic location: 7p22.1.
Variant type: single nucleotide variant.
Coding change: c.67A>T on transcript NM_014855.3 (MANE Select); coding-DNA position 67, A replaced by T.
Protein change: p.Lys23Ter; replaces lysine 23 with a stop codon.
Molecular consequence: nonsense. On other transcripts: 5 prime UTR variant (1), non-coding transcript variant (1).
Genome position (GRCh38, 1-based): chr7:4,781,200, A>T. VCF-style: chr7-4781200-A-T. GRCh37 (hg19) VCF-style: chr7-4820831-A-T.
Other names: c.-215A>T (NM_001364858.1); short protein forms K23*.
Identifiers: ClinVar variation 2151423 (VCV002151423.4), dbSNP rs1198188652, ClinGen allele CA366673098.
Genomic context (GRCh38, chr7:4,781,200, plus strand): 5'-TGCTTCTGGGTCCTGAAGTCCTCTTCTTTGTTTAGGGAGATCCAGGACGAGGAGCTGAAG[A>T]AGTTCTGTTCCCGGATCTGTAAACTGCTGCAGGCGGAGGACTTGGGGCCGGACACCCTCG-3'

ClinVar aggregate classification (germline): Pathogenic (1 of 4 stars; one submission).

Conditions:
Hereditary spastic paraplegia 48. Also called: Spastic paraplegia 48; SPASTIC PARAPLEGIA 48, AUTOSOMAL RECESSIVE. Identifiers: Orphanet 306511, MedGen C3150901, MONDO:0013342, OMIM 613647.

Allele frequency attached by ClinVar (database versions not stated): gnomAD exomes 0.00001.
gnomAD v4.1: 3 of 1,613,586 alleles (0.00019%); highest among the groups gnomAD compares: Admixed American, 0.0017%; no homozygotes.

Submission:

Labcorp Genetics (formerly Invitae), Labcorp
Classification: Pathogenic for Hereditary spastic paraplegia 48. Last evaluated: 2022-07-06. Review status: criteria provided, single submitter. Criteria: Invitae Variant Classification Sherloc (09022015). Collection method: clinical testing. Allele origin: germline.
Comment: For these reasons, this variant has been classified as Pathogenic. This variant has not been reported in the literature in individuals affected with AP5Z1-related conditions. This variant is present in population databases (no rsID available, gnomAD 0.003%). This sequence change creates a premature translational stop signal (p.Lys23*) in the AP5Z1 gene. It is expected to result in an absent or disrupted protein product. Loss-of-function variants in AP5Z1 are known to be pathogenic (PMID: 20613862, 27606357).

Literature cited by the submitters: PubMed 20613862; PubMed 27606357.